The following is an entry in ClinVar:

NM_001166108.2(PALLD):c.1693C>T (p.Pro565Ser)

Gene: PALLD (palladin, cytoskeletal associated protein; plus strand). Cytogenetic location: 4q32.3.
Variant type: single nucleotide variant.
Coding change: c.1693C>T on transcript NM_001166108.2 (MANE Select); coding-DNA position 1693, C replaced by T.
Protein change: p.Pro565Ser; replaces proline 565 with serine.
Molecular consequence: missense variant.
Genome position (GRCh38, 1-based): chr4:168,711,652, C>T. VCF-style: chr4-168711652-C-T. GRCh37 (hg19) VCF-style: chr4-169632803-C-T.
Other names: c.547C>T, p.Pro183Ser (NM_001166109.2); c.1693C>T, p.Pro565Ser (NM_016081.4); short protein forms P183S, P565S.
Identifiers: ClinVar variation 3226751 (VCV003226751.1), dbSNP rs1235019795, ClinGen allele CA358798010.

ClinVar aggregate classification (germline): Uncertain significance (1 of 4 stars; one submission).

gnomAD v4.1: 2 of 1,614,034 alleles (0.00012%); highest among the groups gnomAD compares: South Asian, 0.0011%; no homozygotes.

Submission:

Ambry Genetics
Classification: Uncertain significance. Last evaluated: 2023-10-20. Review status: criteria provided, single submitter. Criteria: Ambry Variant Classification Scheme 2023. Collection method: clinical testing. Allele origin: germline.
Comment: The p.P565S variant (also known as c.1693C>T), located in coding exon 9 of the PALLD gene, results from a C to T substitution at nucleotide position 1693. The proline at codon 565 is replaced by serine, an amino acid with similar properties. This amino acid position is conserved. In addition, this alteration is predicted to be tolerated by in silico analysis. Since supporting evidence is limited at this time, the clinical significance of this alteration remains unclear.